The following is an entry in ClinVar:

NM_001318852.2(MAPK8IP3):c.2067C>G (p.Asn689Lys)

Gene: MAPK8IP3 (mitogen-activated protein kinase 8 interacting protein 3; plus strand). Cytogenetic location: 16p13.3.
Variant type: single nucleotide variant.
Coding change: c.2067C>G on transcript NM_001318852.2 (MANE Select); coding-DNA position 2067, C replaced by G.
Protein change: p.Asn689Lys; replaces asparagine 689 with lysine.
Molecular consequence: missense variant.
Genome position (GRCh38, 1-based): chr16:1,764,156, C>G. VCF-style: chr16-1764156-C-G. GRCh37 (hg19) VCF-style: chr16-1814157-C-G.
Other names: c.2046C>G, p.Asn682Lys (NM_001040439.2); c.2064C>G, p.Asn688Lys (NM_015133.5); short protein forms N682K, N688K, N689K.
Identifiers: ClinVar variation 1700312 (VCV001700312.2), dbSNP rs369023415, ClinGen allele CA394233572.

ClinVar aggregate classification (germline): Uncertain significance (1 of 4 stars; one submission).

gnomAD v4.1: 2 of 1,611,760 alleles (0.00012%); highest among the groups gnomAD compares: Non-Finnish European, 0.00017%; no homozygotes.

Submission:

GeneDx
Classification: Uncertain significance. Last evaluated: 2022-02-03. Review status: criteria provided, single submitter. Criteria: GeneDx Variant Classification Process June 2021. Collection method: clinical testing. Allele origin: germline. Affected: yes.
Comment: Not observed at significant frequency in large population cohorts (gnomAD); In silico analysis supports that this missense variant has a deleterious effect on protein structure/function; Has not been previously published as pathogenic or benign to our knowledge